The following is an entry in ClinVar:

NM_000278.5(PAX2):c.248T>C (p.Ile83Thr)

Gene: PAX2 (paired box 2; plus strand). Cytogenetic location: 10q24.31.
Variant type: single nucleotide variant.
Coding change: c.248T>C on transcript NM_000278.5 (MANE Select); coding-DNA position 248, T replaced by C.
Protein change: p.Ile83Thr; replaces isoleucine 83 with threonine.
Molecular consequence: missense variant.
Genome position (GRCh38, 1-based): chr10:100,750,729, T>C. VCF-style: chr10-100750729-T-C. GRCh37 (hg19) VCF-style: chr10-102510486-T-C.
Other names: c.341T>C, p.Ile114Thr (NM_001304569.2); c.248T>C, p.Ile83Thr (NM_003987.5, NM_003988.5, NM_003989.5 and 1 more transcripts); short protein forms I114T, I83T.
Identifiers: ClinVar variation 1520583 (VCV001520583.6), dbSNP rs2133836322, ClinGen allele CA378257859.

ClinVar aggregate classification (germline): Uncertain significance (1 of 4 stars; one submission).

Conditions:
Focal segmental glomerulosclerosis 7 (FSGS7). Identifiers: Orphanet 656, MedGen C4014925, MONDO:0014451, OMIM 616002.
Renal coloboma syndrome (PAPRS). Also called: OPTIC COLOBOMA, VESICOURETERAL REFLUX, AND RENAL ANOMALIES; OPTIC NERVE COLOBOMA WITH RENAL DISEASE; RENAL-COLOBOMA SYNDROME WITH MACULAR ABNORMALITIES; PAPILLORENAL SYNDROME WITH MILD OCULAR ABNORMALITIES; COLOBOMA OF OPTIC NERVE WITH RENAL DISEASE; PAPILLORENAL SYNDROME. Identifiers: Orphanet 1475, MedGen C1852759, MONDO:0007352, OMIM 120330.

Submission:

Labcorp Genetics (formerly Invitae), Labcorp
Classification: Uncertain significance for Renal coloboma syndrome; Focal segmental glomerulosclerosis 7. Last evaluated: 2022-11-01. Review status: criteria provided, single submitter. Criteria: Invitae Variant Classification Sherloc (09022015). Collection method: clinical testing. Allele origin: germline.
Comment: This sequence change replaces isoleucine, which is neutral and non-polar, with threonine, which is neutral and polar, at codon 83 of the PAX2 protein (p.Ile83Thr). This variant is not present in population databases (gnomAD no frequency). This variant has not been reported in the literature in individuals affected with PAX2-related conditions. ClinVar contains an entry for this variant (Variation ID: 1520583). Experimental studies and prediction algorithms are not available or were not evaluated, and the functional significance of this variant is currently unknown. In summary, the available evidence is currently insufficient to determine the role of this variant in disease. Therefore, it has been classified as a Variant of Uncertain Significance.